The following is an entry in ClinVar:

NM_032737.4(LMNB2):c.1016A>T (p.Glu339Val)

Gene: LMNB2 (lamin B2; minus strand). Cytogenetic location: 19p13.3.
Variant type: single nucleotide variant.
Coding change: c.1016A>T on transcript NM_032737.4 (MANE Select); coding-DNA position 1016, A replaced by T.
Protein change: p.Glu339Val; replaces glutamic acid 339 with valine.
Molecular consequence: missense variant.
Genome position (GRCh38, 1-based): chr19:2,434,481, T>A on the plus strand (A>T on the coding strand, the complement: LMNB2 is on the minus strand). VCF-style: chr19-2434481-T-A. GRCh37 (hg19) VCF-style: chr19-2434479-T-A.
Other names: short protein forms E339V.
Identifiers: ClinVar variation 1718387 (VCV001718387.6), dbSNP rs778624588, ClinGen allele CA403254281.

ClinVar aggregate classification (germline): Uncertain significance (1 of 4 stars; one submission).

Conditions:
Lipodystrophy, partial, acquired, susceptibility to (APLD). Also called: APLD, SUSCEPTIBILITY TO. Identifiers: MedGen C3887501, MONDO:0100476, OMIM 608709.
Progressive myoclonic epilepsy type 9. Identifiers: Orphanet 457265, MedGen C4225289, MONDO:0014685, OMIM 616540.

Submission:

Labcorp Genetics (formerly Invitae), Labcorp
Classification: Uncertain significance for Progressive myoclonic epilepsy type 9; Lipodystrophy, partial, acquired, susceptibility to. Last evaluated: 2022-10-29. Review status: criteria provided, single submitter. Criteria: Invitae Variant Classification Sherloc (09022015). Collection method: clinical testing. Allele origin: germline.
Comment: This sequence change replaces glutamic acid, which is acidic and polar, with valine, which is neutral and non-polar, at codon 339 of the LMNB2 protein (p.Glu339Val). This variant is not present in population databases (gnomAD no frequency). This variant has not been reported in the literature in individuals affected with LMNB2-related conditions. Advanced modeling of protein sequence and biophysical properties (such as structural, functional, and spatial information, amino acid conservation, physicochemical variation, residue mobility, and thermodynamic stability) performed at Invitae indicates that this missense variant is expected to disrupt LMNB2 protein function. In summary, the available evidence is currently insufficient to determine the role of this variant in disease. Therefore, it has been classified as a Variant of Uncertain Significance.